The following is an entry in ClinVar:

ClinVar aggregate classification (germline): Uncertain significance. Review status: criteria provided, multiple submitters, no conflicts (2 of 4 stars). 2 submissions from 2 submitters: Uncertain significance (2). Last evaluated 2026-07-20.

Conditions:
Charcot-Marie-Tooth disease type 2. Also called: Charcot-Marie-Tooth type 2. Identifiers: Orphanet 64746, MedGen C0270914, MONDO:0018993.

Submissions (2):

GeneDx
Classification: Uncertain significance. Last evaluated: 2026-07-20. Review status: criteria provided, single submitter. Criteria: GeneDx Variant Classification Process June 2021. Collection method: clinical testing. Allele origin: germline.
Comment: Has not been previously published as pathogenic or benign to our knowledge; Not observed at significant frequency in large population cohorts (gnomAD); Intronic variant directly or indirectly altering the +5 splice site in a gene for which loss of function is a known mechanism of disease, and splice predictors support a deleterious effect

Labcorp Genetics (formerly Invitae), Labcorp
Classification: Uncertain significance for Charcot-Marie-Tooth disease type 2. Last evaluated: 2026-01-28. Review status: criteria provided, single submitter. Criteria: Invitae Variant Classification Sherloc (09022015). Collection method: clinical testing. Allele origin: germline.
Comment: This sequence change falls in intron 1 of the LMNA gene. It does not directly change the encoded amino acid sequence of the LMNA protein. It affects a nucleotide within the consensus splice site. This variant is not present in population databases (gnomAD no frequency). This variant has been observed in individual(s) with arrhythmogenic cardiomyopathy (internal data). ClinVar contains an entry for this variant (Variation ID: 956287). Variants that disrupt the consensus splice site are a relatively common cause of aberrant splicing (PMID: 17576681, 9536098). Algorithms developed to predict the effect of sequence changes on RNA splicing suggest that this variant may disrupt the consensus splice site. In summary, the available evidence is currently insufficient to determine the role of this variant in disease. Therefore, it has been classified as a Variant of Uncertain Significance.

Literature cited by the submitters: PubMed 17576681 (cited by Labcorp Genetics (formerly Invitae), Labcorp); PubMed 9536098 (cited by Labcorp Genetics (formerly Invitae), Labcorp).

NM_170707.4(LMNA):c.356+3_356+6del

Gene: LMNA (lamin A/C; plus strand). Cytogenetic location: 1q22.
Variant type: Deletion.
Coding change: c.356+3_356+6del on transcript NM_170707.4 (MANE Select); bases 3 to 6 of the intron after coding-DNA position 356, 4 bases deleted (GAGT; older notation c.356+3_356+6delGAGT).
Molecular consequence: splice donor variant.
Genome position (GRCh38, 1-based): chr1:156,115,277-156,115,280, GAGT deleted; deleting any 4 consecutive bases within chr1:156,115,275-156,115,280 gives the same sequence; the c. name uses the placement nearest the transcript's 3' end. VCF-style (leftmost placement, unchanged base first): chr1-156115274-GGTGA-G. GRCh37 (hg19) VCF-style: chr1-156085065-GGTGA-G.
Other names: c.356+3_356+6del (NM_001282625.2, NM_001282626.2, NM_170708.4 and 1 more transcripts).
Identifiers: ClinVar variation 956287 (VCV000956287.14), dbSNP rs1649747081, ClinGen allele CA1139656357.
Genomic context (GRCh38, chr1:156,115,274, plus strand): 5'-GCGCCCGCCTGCAGCTGGAGCTGAGCAAAGTGCGTGAGGAGTTTAAGGAGCTGAAAGCGC[GGTGA>G]GTTCGCCCAGGTGGCTGCGTGCCTGGCGGGGAGTGGAGAGGGCGGCGGGCCGGCGCCCCT-3'